The following is an entry in ClinVar:

NM_052964.4(CLNK):c.1084C>T (p.Arg362Cys)

Gene: CLNK (cytokine dependent hematopoietic cell linker; minus strand). Cytogenetic location: 4p16.1.
Variant type: single nucleotide variant.
Coding change: c.1084C>T on transcript NM_052964.4 (MANE Select); coding-DNA position 1084, C replaced by T.
Protein change: p.Arg362Cys; replaces arginine 362 with cysteine.
Molecular consequence: missense variant.
Genome position (GRCh38, 1-based): chr4:10,501,312, G>A on the plus strand (C>T on the coding strand, the complement: CLNK is on the minus strand). VCF-style: chr4-10501312-G-A. GRCh37 (hg19) VCF-style: chr4-10502936-G-A.
Other names: short protein forms R362C.
Identifiers: ClinVar variation 3052806 (VCV003052806.2), dbSNP rs190441710, ClinGen allele CA2859092.
Genomic context (GRCh38, chr4:10,501,312, plus strand): 5'-CCACCTCATCTCCTCTGAGTCCTGTCCCCAGGGCAAACTGCTGATTCCTCTCCAGGAAGC[G>A]TATTTTTACATTGTAGACTTTGTTCTCATAAAACACAGCCAAAACATAGGGCTCTTCCTT-3'
Protein context (NP_443196.2, residues 352-372): YENKVYNVKI[Arg362Cys]FLERNQQFAL

ClinVar aggregate classification (germline): Likely benign (0 of 4 stars; one submission).

Conditions:
CLNK-related disorder. Also called: CLNK-related condition.

Allele frequency attached by ClinVar (database versions not stated): TOPMed 0.00101; ExAC 0.00104; gnomAD 0.00115; 1000 Genomes Project 30x 0.00125; 1000 Genomes Project 0.00140; gnomAD exomes 0.00215.
gnomAD v4.1: 3,264 of 1,607,184 alleles (0.2%); highest among the groups gnomAD compares: Non-Finnish European, 0.26%; 4 homozygotes.

Submission:

PreventionGenetics, part of Exact Sciences
Classification: Likely benign for CLNK-related condition. Last evaluated: 2022-02-10. Review status: no assertion criteria provided. Collection method: clinical testing. Allele origin: germline.
Comment: This variant is classified as likely benign based on ACMG/AMP sequence variant interpretation guidelines (Richards et al. 2015 PMID: 25741868, with internal and published modifications).